The following is an entry in ClinVar:

ClinVar aggregate classification (germline): Conflicting classifications of pathogenicity. Review status: criteria provided, conflicting classifications (1 of 4 stars). 2 submissions from 2 submitters: Uncertain significance (1); Likely benign (1). Last evaluated 2023-03-23.

Conditions:
Breast-ovarian cancer, familial, susceptibility to, 2 (BROVCA2). Also called: BRCA2 Hereditary Breast and Ovarian Cancer. Identifiers: Orphanet 145, MedGen C2675520, MONDO:0012933, OMIM 612555. Disease mechanism: loss of function.
Hereditary cancer-predisposing syndrome. Also called: Tumor predisposition; Hereditary Cancer Syndrome; Neoplastic Syndromes, Hereditary; Hereditary neoplastic syndrome. Identifiers: Orphanet 140162, MedGen C0027672, MeSH D009386, MONDO:0015356.

Submissions (2):

University of Washington Department of Laboratory Medicine, University of Washington
Classification: Likely benign for Hereditary cancer-predisposing syndrome. Last evaluated: 2023-03-23. Review status: criteria provided, single submitter. Criteria: Dines et al. (Genet Med. 2020). Collection method: curation. Allele origin: germline.
Comment: Missense variant in a coldspot region where missense variants are very unlikely to be pathogenic (PMID:31911673).

BRCA2 exon 11 coldspot. Reclassification based on statistical prior probability.

Human Genome Sequencing Center Clinical Lab, Baylor College of Medicine
Classification: Uncertain significance for Familial breast-ovarian cancer 2. Review status: criteria provided, single submitter. Criteria: ACMG Guidelines, 2015. Collection method: clinical testing. Allele origin: germline.

NM_000059.4(BRCA2):c.4885A>C (p.Thr1629Pro)

Gene: BRCA2 (BRCA2 DNA repair associated; plus strand). Cytogenetic location: 13q13.1.
Variant type: single nucleotide variant.
Coding change: c.4885A>C on transcript NM_000059.4 (MANE Select); coding-DNA position 4885, A replaced by C.
Protein change: p.Thr1629Pro; replaces threonine 1629 with proline.
Molecular consequence: missense variant.
Genome position (GRCh38, 1-based): chr13:32,339,240, A>C. VCF-style: chr13-32339240-A-C. GRCh37 (hg19) VCF-style: chr13-32913377-A-C.
Other names: short protein forms T1629P.
Identifiers: ClinVar variation 979120 (VCV000979120.3), dbSNP rs879255455, ClinGen allele CA387783505.
Genomic context (GRCh38, chr13:32,339,240, plus strand): 5'-ACTGTGGTGCCACCTAAGCTCTTAAGTGATAATTTATGTAGACAAACTGAAAATCTCAAA[A>C]CATCAAAAAGTATCTTTTTGAAAGTTAAAGTACATGAAAATGTAGAAAAAGAAACAGCAA-3'
Protein context (NP_000050.3, residues 1619-1639): NLCRQTENLK[Thr1629Pro]SKSIFLKVKV